The following is an entry in ClinVar:

ClinVar aggregate classification (germline): Uncertain significance. Review status: criteria provided, multiple submitters, no conflicts (2 of 4 stars). 2 submissions from 2 submitters: Uncertain significance (2). Last evaluated 2025-10-07.

Allele frequency attached by ClinVar (database versions not stated): gnomAD exomes below 0.00001; TOPMed below 0.00001.
gnomAD v4.1: 1 of 1,613,850 alleles (0.000062%); highest among the groups gnomAD compares: Non-Finnish European, 0.000085%; no homozygotes.

Submissions (2):

Labcorp Genetics (formerly Invitae), Labcorp
Classification: Uncertain significance. Last evaluated: 2025-10-07. Review status: criteria provided, single submitter. Criteria: Invitae Variant Classification Sherloc (09022015). Collection method: clinical testing. Allele origin: germline.
Comment: This sequence change replaces glycine, which is neutral and non-polar, with glutamic acid, which is acidic and polar, at codon 1434 of the SETD5 protein (p.Gly1434Glu). This variant is not present in population databases (gnomAD no frequency). This variant has not been reported in the literature in individuals affected with SETD5-related conditions. ClinVar contains an entry for this variant (Variation ID: 1364766). Invitae Evidence Modeling of protein sequence and biophysical properties (such as structural, functional, and spatial information, amino acid conservation, physicochemical variation, residue mobility, and thermodynamic stability) has been performed for this missense variant. However, the output from this modeling did not meet the statistical confidence thresholds required to predict the impact of this variant on SETD5 protein function. In summary, the available evidence is currently insufficient to determine the role of this variant in disease. Therefore, it has been classified as a Variant of Uncertain Significance.

Women's Health and Genetics/Laboratory Corporation of America, LabCorp
Classification: Uncertain significance. Last evaluated: 2025-04-10. Review status: criteria provided, single submitter. Criteria: LabCorp Variant Classification Summary - May 2015. Collection method: clinical testing. Allele origin: germline.
Comment: Variant summary: SETD5 c.4301G>A (p.Gly1434Glu) results in a non-conservative amino acid change in the encoded protein sequence. Five of five in-silico tools predict a damaging effect of the variant on protein function. The frequency data for this variant in gnomAD is considered unreliable, as metrics indicate poor data quality at this position. To our knowledge, no occurrence of c.4301G>A in individuals affected with Mental Retardation, Autosomal Dominant 23 and no experimental evidence demonstrating its impact on protein function have been reported. ClinVar contains an entry for this variant (Variation ID: 1364766). Based on the evidence outlined above, the variant was classified as uncertain significance.

NM_001080517.3(SETD5):c.4301G>A (p.Gly1434Glu)

Gene: SETD5 (SET domain containing 5; plus strand). Cytogenetic location: 3p25.3.
Variant type: single nucleotide variant.
Coding change: c.4301G>A on transcript NM_001080517.3 (MANE Select); coding-DNA position 4301, G replaced by A.
Protein change: p.Gly1434Glu; replaces glycine 1434 with glutamic acid.
Molecular consequence: missense variant.
Genome position (GRCh38, 1-based): chr3:9,476,063, G>A. VCF-style: chr3-9476063-G-A. GRCh37 (hg19) VCF-style: chr3-9517747-G-A.
Other names: c.4007G>A, p.Gly1336Glu (NM_001292043.2, NM_001349451.2); short protein forms G1336E, G1434E.
Identifiers: ClinVar variation 1364766 (VCV001364766.8), dbSNP rs1213427855, ClinGen allele CA351695691.